The following is an entry in ClinVar:

NM_023036.6(DNAI2):c.1483G>A (p.Val495Ile)

Gene: DNAI2 (dynein axonemal intermediate chain 2; plus strand). Cytogenetic location: 17q25.1.
Variant type: single nucleotide variant.
Coding change: c.1483G>A on transcript NM_023036.6 (MANE Select); coding-DNA position 1483, G replaced by A.
Protein change: p.Val495Ile; replaces valine 495 with isoleucine.
Molecular consequence: missense variant. On other transcripts: non-coding transcript variant (1).
Genome position (GRCh38, 1-based): chr17:74,310,152, G>A. VCF-style: chr17-74310152-G-A. GRCh37 (hg19) VCF-style: chr17-72306291-G-A.
Other names: c.1447G>A, p.Val483Ile (NM_001172810.3); c.1483G>A, p.Val495Ile (NM_001353167.2); short protein forms V495I, V483I.
Identifiers: ClinVar variation 226610 (VCV000226610.31), dbSNP rs28725418, ClinGen allele CA8745787.
Genomic context (GRCh38, chr17:74,310,152, plus strand): 5'-ACAACCACCCTGCTGGAGGTCTCGCCTGGGCTCTCTACCCTCCAGAGGAATGAGAAGAAC[G>A]TAGCCTCTTCCGTAAGCACCGGGTGCCTGGGGAAAATCCCTCCAGCACGTCCCGACCTGG-3'
Protein context (NP_075462.3, residues 485-505): LSTLQRNEKN[Val495Ile]ASSMFERETR

ClinVar aggregate classification (germline): Benign/Likely benign. Review status: criteria provided, multiple submitters, no conflicts (2 of 4 stars). 11 submissions from 11 submitters: Benign (9); Likely benign (1). 1 of the submissions does not count toward it. Last evaluated 2026-02-04.

Conditions:
Primary ciliary dyskinesia 9. Also called: CILIARY DYSKINESIA, PRIMARY, 9, WITH OR WITHOUT SITUS INVERSUS. Identifiers: Orphanet 244, MedGen C2676235, MONDO:0012906, OMIM 612444.
Primary ciliary dyskinesia. Also called: Ciliary dyskinesia. Identifiers: Orphanet 244, MedGen C0008780, MONDO:0016575, HP:0012265.

Allele frequency attached by ClinVar (database versions not stated): gnomAD exomes 0.06522 and 0.09048; ExAC 0.10074; gnomAD 0.17197 and 0.17848; ESP Exome Variant Server 0.17961; TOPMed 0.18341; 1000 Genomes Project 0.20248; 1000 Genomes Project 30x 0.21002.
gnomAD v4.1: 122,828 of 1,613,358 alleles (7.6%); highest among the groups gnomAD compares: African/African-American, 46%; 11,182 homozygotes.

Submissions (11):

Labcorp Genetics (formerly Invitae), Labcorp
Classification: Benign for Primary ciliary dyskinesia. Last evaluated: 2026-02-04. Review status: criteria provided, single submitter. Criteria: Invitae Variant Classification Sherloc (09022015). Collection method: clinical testing. Allele origin: germline.

Blueprint Genetics
Classification: Likely benign. Last evaluated: 2024-11-28. Review status: criteria provided, single submitter. Criteria: ACMG Guidelines, 2015. Collection method: clinical testing. Allele origin: germline.

Mayo Clinic Laboratories, Mayo Clinic
Classification: Benign. Last evaluated: 2022-04-26. Review status: criteria provided, single submitter. Criteria: ACMG Guidelines, 2015. Collection method: clinical testing. Allele origin: germline. Observed: 33 variant alleles.

Genome-Nilou Lab
Classification: Benign for Primary ciliary dyskinesia 9. Last evaluated: 2021-07-10. Review status: criteria provided, single submitter. Criteria: ACMG Guidelines, 2015. Collection method: clinical testing. Allele origin: germline. Affected: no.

GeneDx
Classification: Benign. Last evaluated: 2018-12-31. Review status: criteria provided, single submitter. Criteria: GeneDx Variant Classification Process June 2021. Collection method: clinical testing. Allele origin: germline. Affected: yes.

Illumina Laboratory Services, Illumina
Classification: Benign for Primary ciliary dyskinesia 9. Last evaluated: 2018-01-12. Review status: criteria provided, single submitter. Criteria: ICSL Variant Classification Criteria 13 December 2019. Collection method: clinical testing. Allele origin: germline.
Comment: This variant was observed in the ICSL laboratory as part of a predisposition screen in an ostensibly healthy population. It had not been previously curated by ICSL or reported in the Human Gene Mutation Database (HGMD: prior to June 1st, 2018), and was therefore a candidate for classification through an automated scoring system. Utilizing variant allele frequency, disease prevalence and penetrance estimates, and inheritance mode, an automated score was calculated to assess if this variant is too frequent to cause the disease. Based on the score and internal cut-off values, a variant classified as benign is not then subjected to further curation. The score for this variant resulted in a classification of benign for this disease.

Laboratory for Molecular Medicine, Mass General Brigham Personalized Medicine
Classification: Benign. Last evaluated: 2015-08-06. Review status: criteria provided, single submitter. Criteria: LMM Criteria. Collection method: clinical testing. Allele origin: germline. Observed: 13 variant alleles.
Comment: p.Val495Ile in exon 11 of DNAI2: This variant is not expected to have clinical s ignificance because it has been identified in 47% (4842/10248) of African chromo somes by the Exome Aggregation Consortium (ExAC; dbSNP rs28725418).

Ambry Genetics
Classification: Benign for Primary ciliary dyskinesia. Last evaluated: 2014-12-11. Review status: criteria provided, single submitter. Criteria: Ambry Variant Classification Scheme 2023. Collection method: clinical testing. Allele origin: germline.

Breakthrough Genomics
Classification: Benign. Review status: criteria provided, single submitter. Criteria: ACMG Guidelines, 2015. Collection method: not provided. Allele origin: germline. Inheritance: Autosomal recessive inheritance. Affected: yes.

PreventionGenetics, part of Exact Sciences
Classification: Benign. Review status: criteria provided, single submitter. Criteria: ACMG Guidelines, 2015. Collection method: clinical testing. Allele origin: germline.

Natera, Inc.
Classification: Benign for Primary ciliary dyskinesia. Last evaluated: 2020-09-16. Review status: no assertion criteria provided. Collection method: clinical testing. Allele origin: germline. Not counted in ClinVar's aggregate classification.